The following is an entry in ClinVar:

ClinVar aggregate classification (germline): Uncertain significance (1 of 4 stars; one submission).

Submission:

GeneDx
Classification: Uncertain significance. Last evaluated: 2023-11-03. Review status: criteria provided, single submitter. Criteria: GeneDx Variant Classification Process June 2021. Collection method: clinical testing. Allele origin: germline.
Comment: Not observed at significant frequency in large population cohorts (gnomAD); Has not been previously published as pathogenic or benign to our knowledge; In silico analysis, which includes splice predictors and evolutionary conservation, suggests this variant may impact gene splicing. In the absence of RNA/functional studies, the actual effect of this sequence change is unknown.

NM_005045.4(RELN):c.656+3_656+30dup

Gene: RELN (reelin; minus strand). Cytogenetic location: 7q22.1.
Variant type: Duplication.
Coding change: c.656+3_656+30dup on transcript NM_005045.4 (MANE Select); bases 3 to 30 of the intron after coding-DNA position 656, 28 bases duplicated (AAGTTACAGGAACATTCCTCACTTTGGT).
Molecular consequence: splice donor variant.
Genome position (GRCh38, 1-based): chr7:103,749,396-103,749,423, ACCAAAGTGAGGAATGTTCCTGTAACTT duplicated on the plus strand (AAGTTACAGGAACATTCCTCACTTTGGT on the coding strand, the reverse complement: RELN is on the minus strand); duplicating any 28 consecutive bases within chr7:103,749,396-103,749,427 gives the same sequence; the c. name uses the placement nearest the transcript's 3' end. VCF-style (leftmost placement, unchanged base first): chr7-103749395-A-AACCAAAGTGAGGAATGTTCCTGTAACTT. GRCh37 (hg19) VCF-style: chr7-103389842-A-AACCAAAGTGAGGAATGTTCCTGTAACTT.
Other names: c.656+3_656+30dup (NM_173054.3).
Identifiers: ClinVar variation 1702783 (VCV001702783.3), dbSNP rs749024958, ClinGen allele CA4422494.